The following is an entry in ClinVar:

ClinVar aggregate classification (germline): not provided (0 of 4 stars; one submission).

Conditions:
Familial long QT syndrome (RWS). Also called: Congenital long QT syndrome; Romano-Ward syndrome; VENTRICULAR FIBRILLATION WITH PROLONGED QT INTERVAL. Identifiers: Orphanet 768, MedGen C1141890, MONDO:0019171.

Submission:

Cardiovascular Biomedical Research Unit, Royal Brompton & Harefield NHS Foundation Trust
No classification provided. Condition: Familial long QT syndrome. Review status: no classification provided. Collection method: literature only. Allele origin: germline.
Comment: This variant has been reported as associated with Long QT syndrome in the following publications (PMID:16922724). This is a literature report, and does not necessarily reflect the clinical interpretation of the Imperial College / Royal Brompton Cardiovascular Genetics laboratory.

Literature cited by the submitters: PubMed 16922724; PubMed 22581653.

NM_000238.4(KCNH2):c.1575G>T (p.Lys525Asn)

Gene: KCNH2 (potassium voltage-gated channel subfamily H member 2; minus strand). Cytogenetic location: 7q36.1.
Variant type: single nucleotide variant.
Coding change: c.1575G>T on transcript NM_000238.4 (MANE Select); coding-DNA position 1575, G replaced by T.
Protein change: p.Lys525Asn; replaces lysine 525 with asparagine.
Molecular consequence: missense variant.
Genome position (GRCh38, 1-based): chr7:150,951,818, C>A on the plus strand (G>T on the coding strand, the complement: KCNH2 is on the minus strand). VCF-style: chr7-150951818-C-A. GRCh37 (hg19) VCF-style: chr7-150648906-C-A.
Other names: c.1575G>T (LRG_288t1); c.555G>T, p.Lys185Asn (NM_001204798.2, NM_172057.3); c.1287G>T, p.Lys429Asn (NM_001406753.1, NM_001406756.1); c.1398G>T, p.Lys466Asn (NM_001406755.1); c.1275G>T, p.Lys425Asn (NM_001406757.1); c.1575G>T, p.Lys525Asn (NM_172056.3); short protein forms K185N, K525N, K425N, K429N, K466N.
Identifiers: ClinVar variation 67213 (VCV000067213.3), dbSNP rs199472913, ClinGen allele CA004813.